The following is an entry in ClinVar:

ClinVar aggregate classification (germline): Likely benign. Review status: criteria provided, single submitter (1 of 4 stars). 2 submissions from 2 submitters: Likely benign (1). 1 of the submissions does not count toward it. Last evaluated 2026-01-28.

Conditions:
MOCS1-related disorder. Also called: MOCS1-related condition.
Sulfite oxidase deficiency due to molybdenum cofactor deficiency type A. Also called: Molybdenum cofactor deficiency, complementation group A; Molybdenum Cofactor Deficiency A. Identifiers: Orphanet 308386, Orphanet 833, MedGen C1854988, MONDO:0009643, OMIM 252150.

Allele frequency attached by ClinVar (database versions not stated): gnomAD exomes 0.00005 and 0.00007; ExAC 0.00009; 1000 Genomes Project 30x 0.00016; 1000 Genomes Project 0.00020; ESP Exome Variant Server 0.00023; gnomAD 0.00035 and 0.00039; TOPMed 0.00043.
gnomAD v4.1: 130 of 1,612,416 alleles (0.0081%); highest among the groups gnomAD compares: African/African-American, 0.14%; no homozygotes.

Submissions (2):

Labcorp Genetics (formerly Invitae), Labcorp
Classification: Likely benign for Sulfite oxidase deficiency due to molybdenum cofactor deficiency type A. Last evaluated: 2026-01-28. Review status: criteria provided, single submitter. Criteria: Invitae Variant Classification Sherloc (09022015). Collection method: clinical testing. Allele origin: germline.

PreventionGenetics, part of Exact Sciences
Classification: Likely benign for MOCS1-related condition. Last evaluated: 2024-09-04. Review status: no assertion criteria provided. Collection method: clinical testing. Allele origin: germline. Not counted in ClinVar's aggregate classification.
Comment: This variant is classified as likely benign based on ACMG/AMP sequence variant interpretation guidelines (Richards et al. 2015 PMID: 25741868, with internal and published modifications).

NM_001358530.2(MOCS1):c.267C>T (p.Pro89=)

Gene: MOCS1 (molybdenum cofactor synthesis 1; minus strand). Cytogenetic location: 6p21.2.
Variant type: single nucleotide variant.
Coding change: c.267C>T on transcript NM_001358530.2 (MANE Select); coding-DNA position 267, C replaced by T.
Protein change: p.Pro89=; no amino-acid change (proline 89 retained).
Molecular consequence: synonymous variant. On other transcripts: non-coding transcript variant (1).
Genome position (GRCh38, 1-based): chr6:39,925,829, G>A on the plus strand (C>T on the coding strand, the complement: MOCS1 is on the minus strand). VCF-style: chr6-39925829-G-A. GRCh37 (hg19) VCF-style: chr6-39893573-G-A.
Other names: c.267C>T, p.Pro89= (NM_001075098.4, NM_001358529.2, NM_005943.6); c.6C>T, p.Pro2= (NM_001358531.2, NM_001358533.2, NM_001358534.2); c.267C>T (NM_005943.5).
Identifiers: ClinVar variation 110599 (VCV000110599.10), dbSNP rs142042550, ClinGen allele CA3796361.